The following is an entry in ClinVar:

NM_020949.3(SLC7A14):c.50C>G (p.Ala17Gly)

Genes: SLC7A14 (solute carrier family 7 member 14; minus strand), SLC7A14-AS1 (SLC7A14 antisense RNA 1; plus strand). Cytogenetic location: 3q26.2.
Variant type: single nucleotide variant.
Coding change: c.50C>G on transcript NM_020949.3 (MANE Select); coding-DNA position 50, C replaced by G.
Protein change: p.Ala17Gly; replaces alanine 17 with glycine.
Molecular consequence: missense variant.
Genome position (GRCh38, 1-based): chr3:170,526,887, G>C on the plus strand (C>G on the coding strand, the complement: SLC7A14 is on the minus strand). VCF-style: chr3-170526887-G-C. GRCh37 (hg19) VCF-style: chr3-170244676-G-C.
Other names: short protein forms A17G.
Identifiers: ClinVar variation 1505004 (VCV001505004.6), dbSNP rs758143609, ClinGen allele CA2702019.

ClinVar aggregate classification (germline): Uncertain significance (1 of 4 stars; one submission).

Allele frequency attached by ClinVar (database versions not stated): ExAC 0.00001.

Submission:

Labcorp Genetics (formerly Invitae), Labcorp
Classification: Uncertain significance. Last evaluated: 2022-03-20. Review status: criteria provided, single submitter. Criteria: Invitae Variant Classification Sherloc (09022015). Collection method: clinical testing. Allele origin: germline.
Comment: In summary, the available evidence is currently insufficient to determine the role of this variant in disease. Therefore, it has been classified as a Variant of Uncertain Significance. Algorithms developed to predict the effect of sequence changes on RNA splicing suggest that this variant may create or strengthen a splice site. Algorithms developed to predict the effect of missense changes on protein structure and function (SIFT, PolyPhen-2, Align-GVGD) all suggest that this variant is likely to be tolerated. This variant has not been reported in the literature in individuals affected with SLC7A14-related conditions. This variant is present in population databases (rs758143609, gnomAD 0.003%). This sequence change replaces alanine, which is neutral and non-polar, with glycine, which is neutral and non-polar, at codon 17 of the SLC7A14 protein (p.Ala17Gly).